The following is an entry in ClinVar:

NM_004329.3(BMPR1A):c.806C>A (p.Ala269Asp)

Gene: BMPR1A (bone morphogenetic protein receptor type 1A; plus strand). Cytogenetic location: 10q23.2.
Variant type: single nucleotide variant.
Coding change: c.806C>A on transcript NM_004329.3 (MANE Select); coding-DNA position 806, C replaced by A.
Protein change: p.Ala269Asp; replaces alanine 269 with aspartic acid.
Molecular consequence: missense variant. On other transcripts: non-coding transcript variant (3).
Genome position (GRCh38, 1-based): chr10:86,917,264, C>A. VCF-style: chr10-86917264-C-A. GRCh37 (hg19) VCF-style: chr10-88677021-C-A.
Other names: c.881C>A, p.Ala294Asp (NM_001406559.1); c.854C>A, p.Ala285Asp (NM_001406560.1); c.806C>A, p.Ala269Asp (NM_001406561.1, NM_001406562.1, NM_001406563.1 and 19 more transcripts); c.800C>A, p.Ala267Asp (NM_001406583.1); c.722C>A, p.Ala241Asp (NM_001406584.1, NM_001406585.1, NM_001406586.1 and 2 more transcripts); c.464C>A, p.Ala155Asp (NM_001406589.1); short protein forms A155D, A241D, A267D, A269D, A285D, A294D.
Identifiers: ClinVar variation 3223967 (VCV003223967.1), dbSNP rs1843587139, ClinGen allele CA377458323.

ClinVar aggregate classification (germline): Uncertain significance (1 of 4 stars; one submission).

Conditions:
Hereditary cancer-predisposing syndrome. Also called: Tumor predisposition; Hereditary neoplastic syndrome; Hereditary Cancer Syndrome; Neoplastic Syndromes, Hereditary. Identifiers: Orphanet 140162, MedGen C0027672, MeSH D009386, MONDO:0015356.

Submission:

Ambry Genetics
Classification: Uncertain significance for Hereditary cancer-predisposing syndrome. Last evaluated: 2024-02-12. Review status: criteria provided, single submitter. Criteria: Ambry Variant Classification Scheme 2023. Collection method: clinical testing. Allele origin: germline.
Comment: The p.A269D variant (also known as c.806C>A), located in coding exon 7 of the BMPR1A gene, results from a C to A substitution at nucleotide position 806. The alanine at codon 269 is replaced by aspartic acid, an amino acid with dissimilar properties. This amino acid position is conserved. In addition, the in silico prediction for this alteration is inconclusive. Based on the available evidence, the clinical significance of this alteration remains unclear.